The following is an entry in ClinVar:

ClinVar aggregate classification (germline): Uncertain significance (1 of 4 stars; one submission).

Allele frequency attached by ClinVar (database versions not stated): TOPMed 0.00001; ExAC 0.00002; gnomAD 0.00002; gnomAD exomes 0.00002 and 0.00003; ESP Exome Variant Server 0.00008.

Submission:

Labcorp Genetics (formerly Invitae), Labcorp
Classification: Uncertain significance. Last evaluated: 2020-05-30. Review status: criteria provided, single submitter. Criteria: Invitae Variant Classification Sherloc (09022015). Collection method: clinical testing. Allele origin: germline.
Comment: This sequence change replaces serine with cysteine at codon 280 of the CUL7 protein (p.Ser280Cys). The serine residue is moderately conserved and there is a moderate physicochemical difference between serine and cysteine. This variant is present in population databases (rs368585986, ExAC 0.005%). This variant has not been reported in the literature in individuals with CUL7-related conditions. Algorithms developed to predict the effect of missense changes on protein structure and function are either unavailable or do not agree on the potential impact of this missense change (SIFT: "Tolerated"; PolyPhen-2: "Possibly Damaging"; Align-GVGD: "Class C0"). In summary, the available evidence is currently insufficient to determine the role of this variant in disease. Therefore, it has been classified as a Variant of Uncertain Significance.

NM_014780.5(CUL7):c.839C>G (p.Ser280Cys)

Gene: CUL7 (cullin 7; minus strand). Cytogenetic location: 6p21.1.
Variant type: single nucleotide variant.
Coding change: c.839C>G on transcript NM_014780.5 (MANE Select); coding-DNA position 839, C replaced by G.
Protein change: p.Ser280Cys; replaces serine 280 with cysteine.
Molecular consequence: missense variant.
Genome position (GRCh38, 1-based): chr6:43,051,362, G>C on the plus strand (C>G on the coding strand, the complement: CUL7 is on the minus strand). VCF-style: chr6-43051362-G-C. GRCh37 (hg19) VCF-style: chr6-43019100-G-C.
Other names: c.935C>G, p.Ser312Cys (NM_001168370.2, NM_001374872.1); c.839C>G, p.Ser280Cys (NM_001374873.1, NM_001374874.1); short protein forms S280C, S312C.
Identifiers: ClinVar variation 1019062 (VCV001019062.8), dbSNP rs368585986, ClinGen allele CA3814290.